The following is an entry in ClinVar:

NM_014989.7(RIMS1):c.4391G>C (p.Ser1464Thr)

Gene: RIMS1 (regulating synaptic membrane exocytosis 1; plus strand). Cytogenetic location: 6q13.
Variant type: single nucleotide variant.
Coding change: c.4391G>C on transcript NM_014989.7 (MANE Select); coding-DNA position 4391, G replaced by C.
Protein change: p.Ser1464Thr; replaces serine 1464 with threonine.
Molecular consequence: missense variant. On other transcripts: 5 prime UTR variant (1).
Genome position (GRCh38, 1-based): chr6:72,390,622, G>C. VCF-style: chr6-72390622-G-C. GRCh37 (hg19) VCF-style: chr6-73100324-G-C.
Other names: c.2351G>C, p.Ser784Thr (NM_001168407.2); c.1766G>C, p.Ser589Thr (NM_001168408.2, NM_001350430.2); c.1595G>C, p.Ser532Thr (NM_001168409.2); c.1793G>C, p.Ser598Thr (NM_001168410.2); c.-29G>C (NM_001168411.2); c.2312G>C, p.Ser771Thr (NM_001350414.2); c.2408G>C, p.Ser803Thr (NM_001350415.2); c.2357G>C, p.Ser786Thr (NM_001350416.2); and 54 more; short protein forms S508T, S558T, S582T, S590T, S628T, S653T, S673T, S681T.
Identifiers: ClinVar variation 1038133 (VCV001038133.8), dbSNP rs1405665405, ClinGen allele CA364819025.

ClinVar aggregate classification (germline): Uncertain significance (1 of 4 stars; one submission).

Allele frequency attached by ClinVar (database versions not stated): TOPMed below 0.00001; gnomAD 0.00001.
gnomAD v4.1: 16 of 1,613,456 alleles (0.00099%); highest among the groups gnomAD compares: Non-Finnish European, 0.0014%; no homozygotes.

Submission:

Labcorp Genetics (formerly Invitae), Labcorp
Classification: Uncertain significance. Last evaluated: 2025-01-15. Review status: criteria provided, single submitter. Criteria: Invitae Variant Classification Sherloc (09022015). Collection method: clinical testing. Allele origin: germline.
Comment: This sequence change replaces serine, which is neutral and polar, with threonine, which is neutral and polar, at codon 1464 of the RIMS1 protein (p.Ser1464Thr). This variant is not present in population databases (gnomAD no frequency). This missense change has been observed in individual(s) with clinical features of RIMS1-related conditions (internal data). ClinVar contains an entry for this variant (Variation ID: 1038133). An algorithm developed to predict the effect of missense changes on protein structure and function (PolyPhen-2) suggests that this variant is likely to be disruptive. In summary, the available evidence is currently insufficient to determine the role of this variant in disease. Therefore, it has been classified as a Variant of Uncertain Significance.